The following is an entry in ClinVar:

NM_006393.3(NEBL):c.2844A>C (p.Arg948Ser)

Gene: NEBL (nebulette; minus strand). Cytogenetic location: 10p12.31.
Variant type: single nucleotide variant.
Coding change: c.2844A>C on transcript NM_006393.3 (MANE Select); coding-DNA position 2844, A replaced by C.
Protein change: p.Arg948Ser; replaces arginine 948 with serine.
Molecular consequence: missense variant.
Genome position (GRCh38, 1-based): chr10:20,787,226, T>G on the plus strand (A>C on the coding strand, the complement: NEBL is on the minus strand). VCF-style: chr10-20787226-T-G. GRCh37 (hg19) VCF-style: chr10-21076155-T-G.
Other names: c.546A>C, p.Arg182Ser (NM_001377325.1); c.504A>C, p.Arg168Ser (NM_001377326.1, NM_001377327.1, NM_001377328.1); c.612A>C, p.Arg204Ser (NM_213569.2, NM_001173484.2); c.705A>C, p.Arg235Ser (NM_001377322.1); c.564A>C, p.Arg188Ser (NM_001377323.1); c.555A>C, p.Arg185Ser (NM_001377324.1); short protein forms R185S, R948S, R182S, R188S, R204S, R235S, R168S.
Identifiers: ClinVar variation 4118402 (VCV004118402.1).

ClinVar aggregate classification (germline): Uncertain significance (1 of 4 stars; one submission).

Submission:

Ambry Genetics
Classification: Uncertain significance. Last evaluated: 2025-07-13. Review status: criteria provided, single submitter. Criteria: Ambry Variant Classification Scheme 2023. Collection method: clinical testing. Allele origin: germline.
Comment: The p.R948S variant (also known as c.2844A>C), located in coding exon 27 of the NEBL gene, results from an A to C substitution at nucleotide position 2844. The arginine at codon 948 is replaced by serine, an amino acid with dissimilar properties. This amino acid position is conserved. In addition, this alteration is predicted to be tolerated by in silico analysis. Based on the available evidence, the clinical significance of this variant remains unclear.